The following is an entry in ClinVar:

ClinVar aggregate classification (germline): Likely benign (0 of 4 stars; one submission).

Conditions:
CLIP1-related disorder. Also called: CLIP1-related condition.

Allele frequency attached by ClinVar (database versions not stated): ExAC 0.00002.
gnomAD v4.1: 4 of 1,613,792 alleles (0.00025%); highest among the groups gnomAD compares: South Asian, 0.0011%; no homozygotes.

Submission:

PreventionGenetics, part of Exact Sciences
Classification: Likely benign for CLIP1-related condition. Last evaluated: 2019-09-18. Review status: no assertion criteria provided. Collection method: clinical testing. Allele origin: germline.
Comment: This variant is classified as likely benign based on ACMG/AMP sequence variant interpretation guidelines (Richards et al. 2015 PMID: 25741868, with internal and published modifications).

NM_001247997.2(CLIP1):c.1017C>T (p.Thr339=)

Gene: CLIP1 (CAP-Gly domain containing linker protein 1; minus strand). Cytogenetic location: 12q24.31.
Variant type: single nucleotide variant.
Coding change: c.1017C>T on transcript NM_001247997.2 (MANE Select); coding-DNA position 1017, C replaced by T.
Protein change: p.Thr339=; no amino-acid change (threonine 339 retained).
Molecular consequence: synonymous variant.
Genome position (GRCh38, 1-based): chr12:122,355,301, G>A on the plus strand (C>T on the coding strand, the complement: CLIP1 is on the minus strand). VCF-style: chr12-122355301-G-A. GRCh37 (hg19) VCF-style: chr12-122839848-G-A.
Other names: c.1017C>T, p.Thr339= (NM_001389291.1, NM_002956.3, NM_198240.3).
Identifiers: ClinVar variation 3040491 (VCV003040491.2), dbSNP rs547632811, ClinGen allele CA6845717.